The following is an entry in ClinVar:

ClinVar aggregate classification (germline): Conflicting classifications of pathogenicity. Review status: criteria provided, conflicting classifications (1 of 4 stars). 2 submissions from 2 submitters: Uncertain significance (1); Likely benign (1). Last evaluated 2025-09-27.

Conditions:
Hereditary cancer-predisposing syndrome. Also called: Hereditary Cancer Syndrome; Tumor predisposition; Hereditary neoplastic syndrome; Neoplastic Syndromes, Hereditary. Identifiers: Orphanet 140162, MedGen C0027672, MeSH D009386, MONDO:0015356.
Renal cell carcinoma. Identifiers: Orphanet 217071, MedGen C0007134, MeSH D002292, MONDO:0005086, HP:0005584.

Submissions (2):

Labcorp Genetics (formerly Invitae), Labcorp
Classification: Uncertain significance for Renal cell carcinoma. Last evaluated: 2025-09-27. Review status: criteria provided, single submitter. Criteria: Invitae Variant Classification Sherloc (09022015). Collection method: clinical testing. Allele origin: germline.
Comment: This sequence change replaces alanine, which is neutral and non-polar, with threonine, which is neutral and polar, at codon 962 of the MET protein (p.Ala962Thr). This variant is not present in population databases (gnomAD no frequency). This variant has not been reported in the literature in individuals affected with MET-related conditions. ClinVar contains an entry for this variant (Variation ID: 1416342). Invitae Evidence Modeling of protein sequence and biophysical properties (such as structural, functional, and spatial information, amino acid conservation, physicochemical variation, residue mobility, and thermodynamic stability) indicates that this missense variant is not expected to disrupt MET protein function with a negative predictive value of 80%. In summary, the available evidence is currently insufficient to determine the role of this variant in disease. Therefore, it has been classified as a Variant of Uncertain Significance.

Ambry Genetics
Classification: Likely benign for Hereditary cancer-predisposing syndrome. Last evaluated: 2024-11-27. Review status: criteria provided, single submitter. Criteria: Ambry Variant Classification Scheme 2023. Collection method: clinical testing. Allele origin: germline.

NM_000245.4(MET):c.2830G>A (p.Ala944Thr)

Gene: MET (MET proto-oncogene, receptor tyrosine kinase; plus strand). Cytogenetic location: 7q31.2.
Variant type: single nucleotide variant.
Coding change: c.2830G>A on transcript NM_000245.4 (MANE Select); coding-DNA position 2830, G replaced by A.
Protein change: p.Ala944Thr; replaces alanine 944 with threonine.
Molecular consequence: missense variant.
Genome position (GRCh38, 1-based): chr7:116,771,597, G>A. VCF-style: chr7-116771597-G-A. GRCh37 (hg19) VCF-style: chr7-116411651-G-A.
Other names: c.2884G>A, p.Ala962Thr (NM_001127500.3); c.1540G>A, p.Ala514Thr (NM_001324402.2); short protein forms A962T, A514T, A944T.
Identifiers: ClinVar variation 1416342 (VCV001416342.11), dbSNP rs2116992583, ClinGen allele CA368986606.